The following is an entry in ClinVar:

NM_172351.3(CD46):c.1082+43T>C

Gene: CD46 (CD46 molecule; plus strand). Cytogenetic location: 1q32.2.
Variant type: single nucleotide variant.
Coding change: c.1082+43T>C on transcript NM_172351.3 (MANE Select); 43 bases into the intron after coding-DNA position 1082, T replaced by C.
Molecular consequence: intron variant.
Genome position (GRCh38, 1-based): chr1:207,785,725, T>C. VCF-style: chr1-207785725-T-C. GRCh37 (hg19) VCF-style: chr1-207959070-T-C.
Other names: c.1127+43T>C (NM_002389.4, NM_172359.3); c.1082+43T>C (NM_153826.4); c.1045+43T>C (NM_172358.3); c.1040+43T>C (NM_172355.3, NM_172356.3); c.1037+43T>C (NM_172352.3, NM_172353.3); c.973+619T>C (NM_172350.3); c.995+43T>C (NM_172357.3, NM_172361.3).
Identifiers: ClinVar variation 1234808 (VCV001234808.5), dbSNP rs11118580, ClinGen allele CA1371889.

ClinVar aggregate classification (germline): Benign. Review status: criteria provided, multiple submitters, no conflicts (2 of 4 stars). 3 submissions from 3 submitters: Benign (3). Last evaluated 2025-10-02.

Conditions:
Atypical hemolytic-uremic syndrome. Identifiers: Orphanet 2134, MedGen C2931788, MONDO:0016244.

Allele frequency attached by ClinVar (database versions not stated): 1000 Genomes Project 0.10942; 1000 Genomes Project 30x 0.10978; TOPMed 0.15027; ESP Exome Variant Server 0.15549; ExAC 0.18210; gnomAD exomes 0.18688.
gnomAD v4.1: 246,513 of 1,249,570 alleles (20%); highest among the groups gnomAD compares: Admixed American, 26%; 27,140 homozygotes.

Submissions (3):

Genomenon, Inc
Classification: Benign for Atypical hemolytic-uremic syndrome. Last evaluated: 2025-10-02. Review status: criteria provided, single submitter. Criteria: Genomenon Sequence Variant Interpretation Standards. Collection method: curation. Allele origin: germline. Affected: no.
Comment: CD46 c.1127+43T>C is an intronic variant in intron 12. This variant has been reported in the published literature (PMID:33920896). This variant is present at high allele frequency in population databases. In conclusion, we classify CD46 c.1127+43T>C as a benign variant.

GeneDx
Classification: Benign. Last evaluated: 2018-11-11. Review status: criteria provided, single submitter. Criteria: GeneDx Variant Classification Process June 2021. Collection method: clinical testing. Allele origin: germline. Affected: yes.

Breakthrough Genomics
Classification: Benign. Review status: criteria provided, single submitter. Criteria: ACMG Guidelines, 2015. Collection method: not provided. Allele origin: germline. Inheritance: Autosomal recessive inheritance. Affected: yes.

Literature cited by the submitters: PubMed 33920896 (cited by Genomenon, Inc).